The following is an entry in ClinVar:

ClinVar aggregate classification (germline): Uncertain significance (1 of 4 stars; one submission).

Submission:

Labcorp Genetics (formerly Invitae), Labcorp
Classification: Uncertain significance. Last evaluated: 2025-03-24. Review status: criteria provided, single submitter. Criteria: Invitae Variant Classification Sherloc (09022015). Collection method: clinical testing. Allele origin: germline.
Comment: This sequence change replaces threonine, which is neutral and polar, with serine, which is neutral and polar, at codon 60 of the TGM6 protein (p.Thr60Ser). This variant is not present in population databases (gnomAD no frequency). This variant has not been reported in the literature in individuals affected with TGM6-related conditions. Invitae Evidence Modeling of protein sequence and biophysical properties (such as structural, functional, and spatial information, amino acid conservation, physicochemical variation, residue mobility, and thermodynamic stability) has been performed for this missense variant. However, the output from this modeling did not meet the statistical confidence thresholds required to predict the impact of this variant on TGM6 protein function. In summary, the available evidence is currently insufficient to determine the role of this variant in disease. Therefore, it has been classified as a Variant of Uncertain Significance.

NM_198994.3(TGM6):c.178A>T (p.Thr60Ser)

Gene: TGM6 (transglutaminase 6; plus strand). Cytogenetic location: 20p13.
Variant type: single nucleotide variant.
Coding change: c.178A>T on transcript NM_198994.3 (MANE Select); coding-DNA position 178, A replaced by T.
Protein change: p.Thr60Ser; replaces threonine 60 with serine.
Molecular consequence: missense variant.
Genome position (GRCh38, 1-based): chr20:2,394,622, A>T. VCF-style: chr20-2394622-A-T. GRCh37 (hg19) VCF-style: chr20-2375268-A-T.
Other names: c.178A>T, p.Thr60Ser (NM_001254734.2); short protein forms T60S.
Identifiers: ClinVar variation 4737045 (VCV004737045.1).